The following is an entry in ClinVar:

NM_000038.6(APC):c.5497dup (p.Arg1833fs)

Gene: APC (APC regulator of Wnt signaling pathway; plus strand). Cytogenetic location: 5q22.2.
Variant type: Duplication.
Coding change: c.5497dup on transcript NM_000038.6 (MANE Select); coding-DNA position 5497, one base duplicated (A; older notation c.5497dupA).
Protein change: p.Arg1833fs; shifts the reading frame from arginine 1833.
Molecular consequence: frameshift variant. On other transcripts: non-coding transcript variant (2).
Genome position (GRCh38, 1-based): chr5:112,841,091, A duplicated. VCF-style (leftmost placement, unchanged base first): chr5-112841090-T-TA. GRCh37 (hg19) VCF-style: chr5-112176787-T-TA.
Other names: c.5497dup, p.Arg1833fs (NM_001127510.3, NM_001354895.2, NM_001407450.1); c.5443dup, p.Arg1815fs (NM_001127511.3); c.5551dup, p.Arg1851fs (NM_001354896.2, NM_001407447.1, NM_001407448.1 and 1 more transcripts); c.5527dup, p.Arg1843fs (NM_001354897.2); c.5422dup, p.Arg1808fs (NM_001354898.2); c.5413dup, p.Arg1805fs (NM_001354899.2); c.5374dup, p.Arg1792fs (NM_001354900.2); c.5320dup, p.Arg1774fs (NM_001354901.2, NM_001407453.1); and 11 more; short protein forms R1449fs, R1550fs, R1673fs, R1704fs, R1707fs, R1732fs, R1742fs, R1750fs.
Identifiers: ClinVar variation 2573292 (VCV002573292.1), dbSNP rs2533647734, ClinGen allele CA2580613640.

ClinVar aggregate classification (germline): Pathogenic (1 of 4 stars; one submission).

Conditions:
Familial adenomatous polyposis 1 (FAP1). Also called: POLYPOSIS, ADENOMATOUS INTESTINAL; FAMILIAL ADENOMATOUS POLYPOSIS 1, ATTENUATED. Identifiers: MedGen C2713442, MONDO:0021056, OMIM 175100. Disease mechanism: loss of function.

Submission:

Myriad Genetics, Inc.
Classification: Pathogenic for Familial adenomatous polyposis 1. Last evaluated: 2023-02-22. Review status: criteria provided, single submitter. Criteria: Myriad Autosomal Dominant, Autosomal Recessive and X-Linked Classification Criteria (2023). Collection method: clinical testing. Allele origin: unknown.
Comment: This variant is considered pathogenic. This variant creates a frameshift predicted to result in premature protein truncation.